The following is an entry in ClinVar:

ClinVar aggregate classification (germline): Uncertain significance (1 of 4 stars; one submission).

Submission:

Labcorp Genetics (formerly Invitae), Labcorp
Classification: Uncertain significance. Last evaluated: 2022-05-03. Review status: criteria provided, single submitter. Criteria: Invitae Variant Classification Sherloc (09022015). Collection method: clinical testing. Allele origin: germline.
Comment: Algorithms developed to predict the effect of missense changes on protein structure and function are either unavailable or do not agree on the potential impact of this missense change (SIFT: "Deleterious"; PolyPhen-2: "Probably Damaging"; Align-GVGD: "Class C0"). This variant has not been reported in the literature in individuals affected with NACC1-related conditions. This variant is not present in population databases (gnomAD no frequency). This sequence change replaces aspartic acid, which is acidic and polar, with valine, which is neutral and non-polar, at codon 408 of the NACC1 protein (p.Asp408Val). In summary, the available evidence is currently insufficient to determine the role of this variant in disease. Therefore, it has been classified as a Variant of Uncertain Significance.

NM_052876.4(NACC1):c.1223A>T (p.Asp408Val)

Gene: NACC1 (nucleus accumbens associated 1; plus strand). Cytogenetic location: 19p13.13.
Variant type: single nucleotide variant.
Coding change: c.1223A>T on transcript NM_052876.4 (MANE Select); coding-DNA position 1223, A replaced by T.
Protein change: p.Asp408Val; replaces aspartic acid 408 with valine.
Molecular consequence: missense variant.
Genome position (GRCh38, 1-based): chr19:13,137,373, A>T. VCF-style: chr19-13137373-A-T. GRCh37 (hg19) VCF-style: chr19-13248187-A-T.
Other names: short protein forms D408V.
Identifiers: ClinVar variation 2132845 (VCV002132845.4), dbSNP rs2145625502, ClinGen allele CA404329370.